The following is an entry in ClinVar:

NM_001042492.3(NF1):c.5812+2T>C

Gene: NF1 (neurofibromin 1; plus strand). Cytogenetic location: 17q11.2.
Variant type: single nucleotide variant.
Coding change: c.5812+2T>C on transcript NM_001042492.3 (MANE Select); the canonical splice donor site of the intron after coding-DNA position 5812, T replaced by C.
Molecular consequence: splice donor variant.
Genome position (GRCh38, 1-based): chr17:31,330,500, T>C. VCF-style: chr17-31330500-T-C. GRCh37 (hg19) VCF-style: chr17-29657518-T-C.
Other names: c.5749+2T>C (NM_000267.4).
Identifiers: ClinVar variation 547669 (VCV000547669.10), dbSNP rs1555533887, ClinGen allele CA399010538.

ClinVar aggregate classification (germline): Pathogenic. Review status: criteria provided, multiple submitters, no conflicts (2 of 4 stars). 4 submissions from 4 submitters: Pathogenic (4). Last evaluated 2024-06-12.

Conditions:
Neurofibromatosis, type 1 (NF1). Also called: NEUROFIBROMATOSIS, TYPE I, SOMATIC; VON RECKLINGHAUSEN DISEASE; Peripheral type neurofibromatosis; Neurofibromatosis, type I. Identifiers: Orphanet 636, MedGen C0027831, MONDO:0018975, OMIM 162200. Disease mechanism: loss of function.

Submissions (4):

Women's Health and Genetics/Laboratory Corporation of America, LabCorp
Classification: Pathogenic for Neurofibromatosis, type 1. Last evaluated: 2024-06-12. Review status: criteria provided, single submitter. Criteria: LabCorp Variant Classification Summary - May 2015. Collection method: clinical testing. Allele origin: germline.
Comment: Variant summary: NF1 c.5749+2T>C is located in a canonical splice-site and is predicted to affect mRNA splicing resulting in a significantly altered protein due to either exon skipping, shortening, or inclusion of intronic material. Several computational tools predict a significant impact on normal splicing: Three predict the variant abolishes the canonical 5' splicing donor site. One predicts the variant has no significant impact on splicing. Two predict the variant creates a 5' donor site. At least one publication reports experimental evidence that this variant affects mRNA splicing, resulting in exon skipping (Sabbagh_2013). The variant was absent in 249612 control chromosomes. c.5749+2T>C has been reported in the literature in an individual affected with Neurofibromatosis Type 1 (Sabbagh_2013). These data suggest the variant is likely associated with disease. The following publication has been ascertained in the context of this evaluation (PMID: 23913538). ClinVar contains an entry for this variant (Variation ID: 547669). Based on the evidence outlined above, the variant was classified as pathogenic.

Labcorp Genetics (formerly Invitae), Labcorp
Classification: Pathogenic for Neurofibromatosis, type 1. Last evaluated: 2023-06-05. Review status: criteria provided, single submitter. Criteria: Invitae Variant Classification Sherloc (09022015). Collection method: clinical testing. Allele origin: germline.
Comment: This variant is not present in population databases (gnomAD no frequency). For these reasons, this variant has been classified as Pathogenic. Algorithms developed to predict the effect of sequence changes on RNA splicing suggest that this variant may disrupt the consensus splice site. ClinVar contains an entry for this variant (Variation ID: 547669). Disruption of this splice site has been observed in individuals with neurofibromatosis type 1 (PMID: 23913538, 31730495). This sequence change affects a donor splice site in intron 38 of the NF1 gene. It is expected to disrupt RNA splicing. Variants that disrupt the donor or acceptor splice site typically lead to a loss of protein function (PMID: 16199547), and loss-of-function variants in NF1 are known to be pathogenic (PMID: 10712197, 23913538).

Genome-Nilou Lab
Classification: Pathogenic for Neurofibromatosis, type 1. Last evaluated: 2022-03-15. Review status: criteria provided, single submitter. Criteria: ACMG Guidelines, 2015. Collection method: clinical testing. Allele origin: germline. Affected: no.

Center for Human Genetics, Inc
Classification: Pathogenic for Neurofibromatosis, type 1. Last evaluated: 2016-11-01. Review status: criteria provided, single submitter. Criteria: ACMG Guidelines, 2015. Collection method: clinical testing. Allele origin: germline. Affected: yes.

Literature cited by the submitters: PubMed 23913538 (cited by Women's Health and Genetics/Laboratory Corporation of America, LabCorp and Labcorp Genetics (formerly Invitae), Labcorp); PubMed 31730495 (cited by Labcorp Genetics (formerly Invitae), Labcorp); PubMed 16199547 (cited by Labcorp Genetics (formerly Invitae), Labcorp); PubMed 10712197 (cited by Labcorp Genetics (formerly Invitae), Labcorp).